The following is an entry in ClinVar:

ClinVar aggregate classification (germline): Likely benign (1 of 4 stars; one submission).

Allele frequency attached by ClinVar (database versions not stated): 1000 Genomes Project 0.00220; 1000 Genomes Project 30x 0.00250; ExAC 0.00343; gnomAD 0.00380; ESP Exome Variant Server 0.00554.

Submission:

CeGaT Center for Human Genetics Tuebingen
Classification: Likely benign. Last evaluated: 2023-10-01. Review status: criteria provided, single submitter. Criteria: CeGaT Center For Human Genetics Tuebingen Variant Classification Criteria Version 2. Collection method: clinical testing. Allele origin: germline. Affected: yes. Observed: 1 variant allele.
Comment: CYP39A1: BP4

NM_016593.5(CYP39A1):c.80G>A (p.Arg27His)

Gene: CYP39A1 (cytochrome P450 family 39 subfamily A member 1; minus strand). Cytogenetic location: 6p12.3.
Variant type: single nucleotide variant.
Coding change: c.80G>A on transcript NM_016593.5 (MANE Select); coding-DNA position 80, G replaced by A.
Protein change: p.Arg27His; replaces arginine 27 with histidine.
Molecular consequence: missense variant. On other transcripts: 5 prime UTR variant (1).
Genome position (GRCh38, 1-based): chr6:46,652,503, C>T on the plus strand (G>A on the coding strand, the complement: CYP39A1 is on the minus strand). VCF-style: chr6-46652503-C-T. GRCh37 (hg19) VCF-style: chr6-46620240-C-T.
Other names: c.80G>A, p.Arg27His (NM_001278738.2); c.-262G>A (NM_001278739.2); short protein forms R27H.
Identifiers: ClinVar variation 2656620 (VCV002656620.24), dbSNP rs61661828, ClinGen allele CA3838214.
Genomic context (GRCh38, chr6:46,652,503, plus strand): 5'-TTCCCAAACTCAAATCCAACTCCAATCCAAGGAATCCAGCCCTTGATGCACGGGGGTCTA[C>T]GCAAATTCTTCCGCTGAAGGAGTAAGAACAGAGCAAGGCAACCCAGGATTATAATCACTG-3'
Protein context (NP_057677.2, residues 17-37): LFLLLQRKNL[Arg27His]RPPCIKGWIP